The following is an entry in ClinVar:

NM_000257.4(MYH7):c.2804A>T (p.Glu935Val)

Gene: MYH7 (myosin heavy chain 7; minus strand). Cytogenetic location: 14q11.2.
Variant type: single nucleotide variant.
Coding change: c.2804A>T on transcript NM_000257.4 (MANE Select); coding-DNA position 2804, A replaced by T.
Protein change: p.Glu935Val; replaces glutamic acid 935 with valine.
Molecular consequence: missense variant.
Genome position (GRCh38, 1-based): chr14:23,424,025, T>A on the plus strand (A>T on the coding strand, the complement: MYH7 is on the minus strand). VCF-style: chr14-23424025-T-A. GRCh37 (hg19) VCF-style: chr14-23893234-T-A.
Other names: p.E935V:GAG>GTG; NM_000257.4(MYH7):c.2804A>T; p.Glu935Val; c.2804A>T (LRG_384t1); short protein forms E935V.
Identifiers: ClinVar variation 181207 (VCV000181207.27), dbSNP rs730880761, ClinGen allele CA013125.

ClinVar aggregate classification (germline): Uncertain significance. Review status: reviewed by expert panel (3 of 4 stars). 11 submissions from 9 submitters: Uncertain significance (1). 10 of the submissions do not count toward it. Last evaluated 2021-06-16.

Conditions:
Myosin storage myopathy (CMYO7A). Also called: MYOPATHY WITH LYSIS OF TYPE I MYOFIBRILS; SCAPULOPERONEAL MUSCULAR DYSTROPHY; SCAPULOPERONEAL SYNDROME, MYOPATHIC TYPE; MYH7-related late-onset scapuloperoneal muscular dystrophy; Congenital myopathy 7A, myosin storage, autosomal dominant; MYOPATHY, HYALINE BODY, AUTOSOMAL DOMINANT. Identifiers: Orphanet 437572, Orphanet 636965, MedGen C1842160, MONDO:0008409, OMIM 608358.
Dilated cardiomyopathy 1S (CMD1S). Identifiers: Orphanet 154, Orphanet 54260, MedGen C1834481, MONDO:0013262, OMIM 613426.
Congenital myopathy with fiber type disproportion. Also called: Congenital fiber-type disproportion myopathy; Congenital fiber-type disproportion. Identifiers: Orphanet 2020, MedGen C0546264, MONDO:0009711. Inheritance: all.
Hypertrophic cardiomyopathy 1 (CMH1). Also called: MYH7-Related Familial Hypertrophic Cardiomyopathy; Familial hypertrophic cardiomyopathy 1. Identifiers: MedGen C3495498, MONDO:0008647, OMIM 192600.
Myopathy, myosin storage, autosomal recessive (CMYO7B). Also called: CONGENITAL MYOPATHY 7B, MYOSIN STORAGE, AUTOSOMAL RECESSIVE. Identifiers: Orphanet 636970, MedGen C1850709, MONDO:0009708, OMIM 255160.
MYH7-related skeletal myopathy. Also called: Laing early-onset distal myopathy; Laing distal myopathy; Myopathy, distal, 1; MYOPATHY, DISTAL, EARLY-ONSET, AUTOSOMAL DOMINANT; MYOPATHY, LATE DISTAL HEREDITARY. Identifiers: Orphanet 59135, MedGen C4552004, MONDO:0008050, OMIM 160500.
MYH7-related disorder. Also called: MYH7-related disorders; MYH7-related condition; MYH7-related disease.
Cardiovascular phenotype. Identifiers: MedGen CN230736.
Cardiomyopathy (CMYO). Also called: Cardiomyopathies. Identifiers: Orphanet 167848, MedGen C0878544, MONDO:0004994, HP:0001638. Inheritance: Various modes of inheritance.
Primary familial hypertrophic cardiomyopathy (HCM). Identifiers: Orphanet 99739, MedGen C0949658, MeSH D024741, MONDO:0024573. Inheritance: Various modes of inheritance.
Hypertrophic cardiomyopathy. Also called: HYPERTROPHIC MYOCARDIOPATHY. Identifiers: Orphanet 217569, MedGen C0007194, MeSH D002312, MONDO:0005045, HP:0001639.

Allele frequency attached by ClinVar (database versions not stated): gnomAD exomes below 0.00001 and 0.00001; ExAC 0.00002.
gnomAD v4.1: 6 of 1,614,248 alleles (0.00037%); highest among the groups gnomAD compares: Non-Finnish European, 0.00051%; no homozygotes.

Submissions 1 to 5 of 11:

ClinGen Cardiomyopathy Variant Curation Expert Panel
Classification: Uncertain significance for Hypertrophic cardiomyopathy. Last evaluated: 2021-06-16. Review status: reviewed by expert panel. Criteria: ClinGen CMP ACMG Specifications v1. Collection method: curation. Allele origin: germline. Inheritance: Autosomal dominant inheritance.
Comment: The c.2804A>T (p.Glu935Val) variant in MYH7 has been identified in at least 1 individual with early-onset HCM (<25 yo) who also carried a second MYH7 variant (Rubattu 2016 PMID:27483260; Cecconi 2016 PMID:27600940). Due to the potential overlap in these cohorts and the presence of a second variant, the PS4_Supporting criterion is not met. This variant was also identified in 0.0003% (FAF 95% CI; 2/113768) of non-Finnish European chromosomes in gnomAD v2.1.1 (PM2). This variant lies in the head region of the protein (aa 181-937) and missense variants in this region are statistically more likely to be disease-associated (PM1; Walsh 2017 PMID:27532257). Computational prediction tools and conservation analysis suggest that this variant may impact the protein (PP3). In summary, due to insufficient evidence, this variant is classified as uncertain significance for hypertrophic cardiomyopathy in an autosomal dominant manner. MYH7-specific ACMG/AMP criteria applied (Kelly 2018 PMID:29300372): PM2; PM1; PP3

Women's Health and Genetics/Laboratory Corporation of America, LabCorp
Classification: Likely pathogenic for Primary familial hypertrophic cardiomyopathy. Last evaluated: 2026-04-27. Review status: criteria provided, single submitter. Criteria: LabCorp Variant Classification Summary - May 2015. Collection method: clinical testing. Allele origin: germline. Not counted in ClinVar's aggregate classification.
Comment: Variant summary: MYH7 c.2804A>T (p.Glu935Val) results in a non-conservative amino acid change in the encoded protein sequence. Algorithms developed to predict the effect of missense changes on protein structure and function all suggest that this variant is likely to be disruptive. The variant allele was found at a frequency of 8e-06 in 251492 control chromosomes. c.2804A>T has been observed in individual(s) affected with Hypertrophic Cardiomyopathy. These data indicate that the variant may be associated with disease. To our knowledge, no experimental evidence demonstrating an impact on protein function has been reported. A different variant affecting the same codon has been classified as pathogenic (c.2803G>A/p.Glu935Lys), supporting the critical relevance of codon 935 to MYH7 protein function. The following publications have been ascertained in the context of this evaluation (PMID: 37589201, 34542152, 27483260). ClinVar contains an entry for this variant (Variation ID: 181207). Based on the evidence outlined above, the variant was classified as likely pathogenic.

GeneDx
Classification: Uncertain significance. Last evaluated: 2025-10-10. Review status: criteria provided, single submitter. Criteria: GeneDx Variant Classification Process June 2021. Collection method: clinical testing. Allele origin: germline. Affected: yes. Not counted in ClinVar's aggregate classification.
Comment: Reported in association with HCM, SIDS and other cardiac diseases in published literature; however, detailed clinical information was not provided and an additional cardiogenetic variant was identified in at least on case (PMID: 27483260, 27600940, 36481846, 37589201); Not observed at significant frequency in large population cohorts (gnomAD); In silico analysis supports that this missense variant has a deleterious effect on protein structure/function; This variant is associated with the following publications: (PMID: 29687901, 27600940, 31589614, 34542152, 37589201, 36481846, 36515421, 27483260, 27532257, 29300372)

Labcorp Genetics (formerly Invitae), Labcorp
Classification: Likely pathogenic for Hypertrophic cardiomyopathy. Last evaluated: 2025-09-10. Review status: criteria provided, single submitter. Criteria: Invitae Variant Classification Sherloc (09022015). Collection method: clinical testing. Allele origin: germline. Not counted in ClinVar's aggregate classification.
Comment: This sequence change replaces glutamic acid, which is acidic and polar, with valine, which is neutral and non-polar, at codon 935 of the MYH7 protein (p.Glu935Val). This variant is present in population databases (rs730880761, gnomAD 0.002%). This missense change has been observed in individual(s) with hypertrophic cardiomyopathy (PMID: 27483260, 27600940, 32481709, 37589201; internal data). ClinVar contains an entry for this variant (Variation ID: 181207). Invitae Evidence Modeling of protein sequence and biophysical properties (such as structural, functional, and spatial information, amino acid conservation, physicochemical variation, residue mobility, and thermodynamic stability) indicates that this missense variant is expected to disrupt MYH7 protein function with a positive predictive value of 95%. This variant disrupts the p.Glu935 amino acid residue in MYH7. Other variant(s) that disrupt this residue have been determined to be pathogenic (PMID: 7909436, 20975235, 24111713, 26178432, 29398688; internal data). This suggests that this residue is clinically significant, and that variants that disrupt this residue are likely to be disease-causing. In summary, the currently available evidence indicates that the variant is pathogenic, but additional data are needed to prove that conclusively. Therefore, this variant has been classified as Likely Pathogenic.

Ambry Genetics
Classification: Uncertain significance for Cardiovascular phenotype. Last evaluated: 2025-09-03. Review status: criteria provided, single submitter. Criteria: Ambry Variant Classification Scheme 2023. Collection method: clinical testing. Allele origin: germline. Not counted in ClinVar's aggregate classification.
Comment: The p.E935V variant (also known as c.2804A>T), located in coding exon 21 of the MYH7 gene, results from an A to T substitution at nucleotide position 2804. The glutamic acid at codon 935 is replaced by valine, an amino acid with dissimilar properties. This variant was reported in individual(s) with features consistent with hypertrophic cardiomyopathy; however, another MYH7 variant was also reported and clinical details were limited (Rubattu S et al. Int J Mol Sci, 2016 Jul;17:; Cecconi M et al. Int J Mol Med, 2016 Oct;38:1111-24). This alteration is located in the myosin head domain, which contains a statistically significant clustering of pathogenic missense variants (Homburger JR et al. Proc Natl Acad Sci U S A, 2016 06;113:6701-6; Walsh R et al. Genet Med, 2017 02;19:192-203; Ambry internal data). This amino acid position is highly conserved in available vertebrate species. In addition, this alteration is predicted to be deleterious by in silico analysis. Since supporting evidence is limited at this time, the clinical significance of this alteration remains unclear.